The following is an entry in ClinVar:

ClinVar aggregate classification (germline): Uncertain significance (1 of 4 stars; one submission).

Conditions:
Primary ciliary dyskinesia. Also called: Ciliary dyskinesia. Identifiers: Orphanet 244, MedGen C0008780, MONDO:0016575, HP:0012265.

Allele frequency attached by ClinVar (database versions not stated): gnomAD 0.00001; gnomAD exomes 0.00001; TOPMed 0.00002.
gnomAD v4.1: 14 of 1,575,044 alleles (0.00089%); highest among the groups gnomAD compares: Non-Finnish European, 0.0012%; no homozygotes.

Submission:

Ambry Genetics
Classification: Uncertain significance for Primary ciliary dyskinesia. Last evaluated: 2015-08-11. Review status: criteria provided, single submitter. Criteria: Ambry Variant Classification Scheme 2023. Collection method: clinical testing. Allele origin: germline.
Comment: The p.G3102S variant (also known as c.9304G>A), located in coding exon 56 of the DNAH11 gene, results from a G to A substitution at nucleotide position 9304. The glycine at codon 3102 is replaced by serine, an amino acid with similar properties. This variant was not reported in population based cohorts in the following databases: Database of Single Nucleotide Polymorphisms (dbSNP), NHLBI Exome Sequencing Project (ESP), and 1000 Genomes Project. In the ESP, this variant was not observed in 5907 samples (11814 alleles) with coverage at this position. This amino acid position is highly conserved in available vertebrate species. Since supporting evidence is limited at this time, the clinical significance of this variant remains unclear.

NM_001277115.2(DNAH11):c.9304G>A (p.Gly3102Ser)

Gene: DNAH11 (dynein axonemal heavy chain 11; plus strand). Cytogenetic location: 7p15.3.
Variant type: single nucleotide variant.
Coding change: c.9304G>A on transcript NM_001277115.2 (MANE Select); coding-DNA position 9304, G replaced by A.
Protein change: p.Gly3102Ser; replaces glycine 3102 with serine.
Molecular consequence: missense variant.
Genome position (GRCh38, 1-based): chr7:21,773,967, G>A. VCF-style: chr7-21773967-G-A. GRCh37 (hg19) VCF-style: chr7-21813585-G-A.
Other names: c.9325G>A, p.Gly3109Ser (NM_003777.3); short protein forms G3109S, G3102S.
Identifiers: ClinVar variation 1766512 (VCV001766512.2), dbSNP rs943669191, ClinGen allele CA155081197.
Genomic context (GRCh38, chr7:21,773,967, plus strand): 5'-AAGAACCTGTTGAAGAAGAAGCAAAATGAGGTATCCGAGAAAAAAGAACGCCTGGTGAAC[G>A]GCATCCAAAAGCTAAAAACCACAGCCTCTCAGGTATGACCAGGATGTGTTATTACTGAGT-3'
Protein context (NP_001264044.1, residues 3092-3112): VSEKKERLVN[Gly3102Ser]IQKLKTTASQ